The following is an entry in ClinVar:

ClinVar aggregate classification (germline): Uncertain significance (1 of 4 stars; one submission).

Conditions:
Long QT syndrome (LQTS). Identifiers: MedGen C0023976, MeSH D008133, MONDO:0002442. Disease mechanism: loss of function. Inheritance: Various modes of inheritance.

Submission:

Labcorp Genetics (formerly Invitae), Labcorp
Classification: Uncertain significance for Long QT syndrome. Last evaluated: 2022-06-23. Review status: criteria provided, single submitter. Criteria: Invitae Variant Classification Sherloc (09022015). Collection method: clinical testing. Allele origin: germline.
Comment: This sequence change replaces glycine, which is neutral and non-polar, with glutamic acid, which is acidic and polar, at codon 1343 of the CACNA1C protein (p.Gly1343Glu). This variant is not present in population databases (gnomAD no frequency). This variant has not been reported in the literature in individuals affected with CACNA1C-related conditions. Algorithms developed to predict the effect of missense changes on protein structure and function (SIFT, PolyPhen-2, Align-GVGD) all suggest that this variant is likely to be disruptive. In summary, the available evidence is currently insufficient to determine the role of this variant in disease. Therefore, it has been classified as a Variant of Uncertain Significance.

NM_000719.7(CACNA1C):c.4028G>A (p.Gly1343Glu)

Gene: CACNA1C (calcium voltage-gated channel subunit alpha1 C; plus strand). Cytogenetic location: 12p13.33.
Variant type: single nucleotide variant.
Coding change: c.4028G>A on transcript NM_000719.7 (MANE Select); coding-DNA position 4028, G replaced by A.
Protein change: p.Gly1343Glu; replaces glycine 1343 with glutamic acid.
Molecular consequence: missense variant.
Genome position (GRCh38, 1-based): chr12:2,651,722, G>A. VCF-style: chr12-2651722-G-A. GRCh37 (hg19) VCF-style: chr12-2760888-G-A.
Other names: c.4172G>A, p.Gly1391Glu (NM_001129827.2, NM_199460.4); c.4094G>A, p.Gly1365Glu (NM_001129829.2); c.4028G>A, p.Gly1343Glu (NM_001129830.3, NM_001129833.2, NM_001129834.2 and 7 more transcripts); c.4112G>A, p.Gly1371Glu (NM_001129831.2); c.4088G>A, p.Gly1363Glu (NM_001129832.2); c.4079G>A, p.Gly1360Glu (NM_001129836.2); c.3995G>A, p.Gly1332Glu (NM_001129837.2, NM_001129838.2, NM_001129846.2 and 1 more transcripts); c.3989G>A, p.Gly1330Glu (NM_001129839.2); and 1 more; short protein forms G1343E, G1363E, G1391E, G1332E, G1360E, G1371E, G1340E, G1365E.
Identifiers: ClinVar variation 2009582 (VCV002009582.4), dbSNP rs2094999450, ClinGen allele CA383373696.